The following is an entry in ClinVar:

ClinVar aggregate classification (germline): Pathogenic/Likely pathogenic. Review status: criteria provided, multiple submitters, no conflicts (2 of 4 stars). 4 submissions from 4 submitters: Pathogenic (1); Likely pathogenic (3). Last evaluated 2025-01-16.

Conditions:
Autosomal recessive nonsyndromic hearing loss 8 (DFNB8). Also called: Deafness, autosomal recessive 10; NEUROSENSORY NONSYNDROMIC RECESSIVE DEAFNESS 8. Identifiers: Orphanet 90636, MedGen C1832827, MONDO:0010987, OMIM 601072.

Allele frequency attached by ClinVar (database versions not stated): TOPMed below 0.00001; gnomAD 0.00001; gnomAD exomes 0.00001.

Submissions (4):

First Genomix Gene Laboratory, Genetic Diagnostics Department
Classification: Likely pathogenic for Autosomal recessive nonsyndromic hearing loss 8. Last evaluated: 2025-01-16. Review status: criteria provided, single submitter. Criteria: ACMG Guidelines, 2015. Collection method: clinical testing. Allele origin: germline. Inheritance: Autosomal recessive inheritance. Affected: no. Observed: 1 variant allele.

Women's Health and Genetics/Laboratory Corporation of America, LabCorp
Classification: Pathogenic for Autosomal recessive nonsyndromic hearing loss 8. Last evaluated: 2024-12-30. Review status: criteria provided, single submitter. Criteria: LabCorp Variant Classification Summary - May 2015. Collection method: clinical testing. Allele origin: germline.
Comment: Variant summary: TMPRSS3 c.1204G>A (p.Gly402Arg) results in a non-conservative amino acid change in the encoded protein sequence. Five of five in-silico tools predict a damaging effect of the variant on protein function. The variant was absent in 251244 control chromosomes (gnomAD). c.1204G>A has been reported in the literature in multiple individuals affected with Deafness, Autosomal Recessive 8 (e.g. Gao_2017, Norman_2019). These data indicate that the variant is very likely to be associated with disease. The following publications have been ascertained in the context of this evaluation (PMID: 28695016, 31835641). ClinVar contains an entry for this variant (Variation ID: 2138388). Based on the evidence outlined above, the variant was classified as pathogenic.

Department of Pathology and Laboratory Medicine, Sinai Health System
Classification: Likely pathogenic for Autosomal recessive nonsyndromic hearing loss 8. Last evaluated: 2023-09-07. Review status: criteria provided, single submitter. Criteria: ACMG Guidelines, 2015. Collection method: research. Allele origin: germline.

Labcorp Genetics (formerly Invitae), Labcorp
Classification: Likely pathogenic. Last evaluated: 2022-08-20. Review status: criteria provided, single submitter. Criteria: Invitae Variant Classification Sherloc (09022015). Collection method: clinical testing. Allele origin: germline.
Comment: In summary, the currently available evidence indicates that the variant is pathogenic, but additional data are needed to prove that conclusively. Therefore, this variant has been classified as Likely Pathogenic. Advanced modeling of protein sequence and biophysical properties (such as structural, functional, and spatial information, amino acid conservation, physicochemical variation, residue mobility, and thermodynamic stability) performed at Invitae indicates that this missense variant is expected to disrupt TMPRSS3 protein function. This missense change has been observed in individual(s) with autosomal recessive nonsyndromic deafness (PMID: 28695016). In at least one individual the data is consistent with being in trans (on the opposite chromosome) from a pathogenic variant. This variant is not present in population databases (gnomAD no frequency). This sequence change replaces glycine, which is neutral and non-polar, with arginine, which is basic and polar, at codon 402 of the TMPRSS3 protein (p.Gly402Arg).

Literature cited by the submitters: PubMed 28695016 (cited by Women's Health and Genetics/Laboratory Corporation of America, LabCorp and Labcorp Genetics (formerly Invitae), Labcorp); PubMed 31835641 (cited by Women's Health and Genetics/Laboratory Corporation of America, LabCorp).

NM_001256317.3(TMPRSS3):c.1201G>A (p.Gly401Arg)

Gene: TMPRSS3 (transmembrane serine protease 3; minus strand). Cytogenetic location: 21q22.3.
Variant type: single nucleotide variant.
Coding change: c.1201G>A on transcript NM_001256317.3 (MANE Select); coding-DNA position 1201, G replaced by A.
Protein change: p.Gly401Arg; replaces glycine 401 with arginine.
Molecular consequence: missense variant.
Genome position (GRCh38, 1-based): chr21:42,375,859, C>T on the plus strand (G>A on the coding strand, the complement: TMPRSS3 is on the minus strand). VCF-style: chr21-42375859-C-T. GRCh37 (hg19) VCF-style: chr21-43795968-C-T.
Other names: c.1204G>A, p.Gly402Arg (NM_024022.4); c.823G>A, p.Gly275Arg (NM_032404.3); short protein forms G402R, G275R, G401R.
Identifiers: ClinVar variation 2138388 (VCV002138388.7), dbSNP rs1374533426, ClinGen allele CA410369033.